The following is an entry in ClinVar:

NM_003579.4(RAD54L):c.1934T>G (p.Val645Gly)

Genes: LRRC41 (leucine rich repeat containing 41; minus strand), RAD54L (RAD54 like; plus strand). Cytogenetic location: 1p34.1.
Variant type: single nucleotide variant.
Coding change: c.1934T>G on transcript NM_003579.4 (MANE Select); coding-DNA position 1934, T replaced by G.
Protein change: p.Val645Gly; replaces valine 645 with glycine.
Molecular consequence: missense variant. On other transcripts: 3 prime UTR variant (1).
Genome position (GRCh38, 1-based): chr1:46,277,881, T>G. VCF-style: chr1-46277881-T-G. GRCh37 (hg19) VCF-style: chr1-46743553-T-G.
Other names: c.*984A>C (NM_006369.5); c.1934T>G, p.Val645Gly (NM_001142548.2); c.1394T>G, p.Val465Gly (NM_001370766.1); short protein forms V465G, V645G.
Identifiers: ClinVar variation 1782939 (VCV001782939.3), dbSNP rs1660661872, ClinGen allele CA340189541.

ClinVar aggregate classification (germline): Uncertain significance (1 of 4 stars; one submission).

gnomAD v4.1: 22 of 1,613,918 alleles (0.0014%); highest among the groups gnomAD compares: Non-Finnish European, 0.0018%; no homozygotes.

Submission:

Ambry Genetics
Classification: Uncertain significance. Last evaluated: 2023-09-06. Review status: criteria provided, single submitter. Criteria: Ambry Variant Classification Scheme 2023. Collection method: clinical testing. Allele origin: germline.
Comment: The p.V645G variant (also known as c.1934T>G), located in coding exon 17 of the RAD54L gene, results from a T to G substitution at nucleotide position 1934. The valine at codon 645 is replaced by glycine, an amino acid with dissimilar properties. This amino acid position is conserved. In addition, this alteration is predicted to be deleterious by in silico analysis. Since supporting evidence is limited at this time, the clinical significance of this alteration remains unclear.